The following is an entry in ClinVar:

ClinVar aggregate classification (germline): Uncertain significance. Review status: criteria provided, multiple submitters, no conflicts (2 of 4 stars). 3 submissions from 3 submitters: Uncertain significance (3). Last evaluated 2026-06-05.

Conditions:
Inborn genetic diseases. Identifiers: MedGen C0950123, MeSH D030342.

Allele frequency attached by ClinVar (database versions not stated): ExAC 0.00002; TOPMed 0.00002; gnomAD 0.00003; gnomAD exomes 0.00008; 1000 Genomes Project 30x 0.00016; 1000 Genomes Project 0.00020.
gnomAD v4.1: 114 of 1,604,818 alleles (0.0071%); highest among the groups gnomAD compares: Non-Finnish European, 0.0094%; no homozygotes.

Submissions (3):

GeneDx
Classification: Uncertain significance. Last evaluated: 2026-06-05. Review status: criteria provided, single submitter. Criteria: GeneDx Variant Classification Process June 2021. Collection method: clinical testing. Allele origin: germline.
Comment: Not observed at significant frequency in large population cohorts (gnomAD); In silico analysis supports that this missense variant has a deleterious effect on protein structure/function; Has not been previously published as pathogenic or benign to our knowledge

Ambry Genetics
Classification: Uncertain significance for Inborn genetic diseases. Last evaluated: 2025-04-25. Review status: criteria provided, single submitter. Criteria: Ambry Variant Classification Scheme 2023. Collection method: clinical testing. Allele origin: germline.

Labcorp Genetics (formerly Invitae), Labcorp
Classification: Uncertain significance. Last evaluated: 2022-08-10. Review status: criteria provided, single submitter. Criteria: Invitae Variant Classification Sherloc (09022015). Collection method: clinical testing. Allele origin: germline.
Comment: This sequence change replaces asparagine, which is neutral and polar, with serine, which is neutral and polar, at codon 1776 of the VPS13A protein (p.Asn1776Ser). This variant is present in population databases (rs201250204, gnomAD 0.006%). This variant has not been reported in the literature in individuals affected with VPS13A-related conditions. Algorithms developed to predict the effect of missense changes on protein structure and function are either unavailable or do not agree on the potential impact of this missense change (SIFT: "Tolerated"; PolyPhen-2: "Probably Damaging"; Align-GVGD: "Class C0"). Algorithms developed to predict the effect of sequence changes on RNA splicing suggest that this variant may create or strengthen a splice site. In summary, the available evidence is currently insufficient to determine the role of this variant in disease. Therefore, it has been classified as a Variant of Uncertain Significance.

NM_033305.3(VPS13A):c.5327A>G (p.Asn1776Ser)

Gene: VPS13A (vacuolar protein sorting 13 homolog A; plus strand). Cytogenetic location: 9q21.2.
Variant type: single nucleotide variant.
Coding change: c.5327A>G on transcript NM_033305.3 (MANE Select); coding-DNA position 5327, A replaced by G.
Protein change: p.Asn1776Ser; replaces asparagine 1776 with serine.
Molecular consequence: missense variant.
Genome position (GRCh38, 1-based): chr9:77,319,585, A>G. VCF-style: chr9-77319585-A-G. GRCh37 (hg19) VCF-style: chr9-79934501-A-G.
Other names: c.5210A>G, p.Asn1737Ser (NM_001018037.2); c.5327A>G, p.Asn1776Ser (NM_001018038.3, NM_015186.4); c.5327A>G (NM_033305.2); short protein forms N1737S, N1776S.
Identifiers: ClinVar variation 2423844 (VCV002423844.6), dbSNP rs201250204, ClinGen allele CA5092748.